The following is an entry in ClinVar:

NM_000264.5(PTCH1):c.1161G>A (p.Trp387Ter)

Gene: PTCH1 (patched 1; minus strand). Cytogenetic location: 9q22.32.
Variant type: single nucleotide variant.
Coding change: c.1161G>A on transcript NM_000264.5 (MANE Select); coding-DNA position 1161, G replaced by A.
Protein change: p.Trp387Ter; replaces tryptophan 387 with a stop codon.
Molecular consequence: nonsense. On other transcripts: non-coding transcript variant (1).
Genome position (GRCh38, 1-based): chr9:95,479,054, C>T on the plus strand (G>A on the coding strand, the complement: PTCH1 is on the minus strand). VCF-style: chr9-95479054-C-T. GRCh37 (hg19) VCF-style: chr9-98241336-C-T.
Other names: c.963G>A, p.Trp321Ter (NM_001083602.3); c.1158G>A, p.Trp386Ter (NM_001083603.3); c.708G>A, p.Trp236Ter (NM_001083604.3, NM_001083605.3, NM_001083606.3 and 1 more transcripts); c.1161G>A, p.Trp387Ter (NM_001354918.2); short protein forms W321*, W386*, W236*, W387*.
Identifiers: ClinVar variation 644903 (VCV000644903.7), dbSNP rs1588605485, ClinGen allele CA374119326.

ClinVar aggregate classification (germline): Pathogenic (1 of 4 stars; one submission).

Conditions:
Gorlin syndrome. Also called: Basal cell nevus syndrome; Nevoid Basal Cell Carcinoma Syndrome. Identifiers: Orphanet 377, MedGen C0004779, MONDO:0007187.

Submission:

Labcorp Genetics (formerly Invitae), Labcorp
Classification: Pathogenic for Gorlin syndrome. Last evaluated: 2018-12-19. Review status: criteria provided, single submitter. Criteria: Invitae Variant Classification Sherloc (09022015). Collection method: clinical testing. Allele origin: germline.
Comment: This sequence change creates a premature translational stop signal (p.Trp387*) in the PTCH1 gene. It is expected to result in an absent or disrupted protein product. This variant is not present in population databases (ExAC no frequency). This variant has not been reported in the literature in individuals with PTCH1-related conditions. Loss-of-function variants in PTCH1 are known to be pathogenic (PMID: 16301862, 16419085). For these reasons, this variant has been classified as Pathogenic.

Literature cited by the submitters: PubMed 16301862; PubMed 16419085.